The following is an entry in ClinVar:

NM_017934.7(PHIP):c.1423C>T (p.His475Tyr)

Gene: PHIP (PHIP subunit of CUL4-Ring ligase complex; minus strand). Cytogenetic location: 6q14.1.
Variant type: single nucleotide variant.
Coding change: c.1423C>T on transcript NM_017934.7 (MANE Select); coding-DNA position 1423, C replaced by T.
Protein change: p.His475Tyr; replaces histidine 475 with tyrosine.
Molecular consequence: missense variant.
Genome position (GRCh38, 1-based): chr6:79,015,183, G>A on the plus strand (C>T on the coding strand, the complement: PHIP is on the minus strand). VCF-style: chr6-79015183-G-A. GRCh37 (hg19) VCF-style: chr6-79724900-G-A.
Other names: short protein forms H475Y.
Identifiers: ClinVar variation 5001296 (VCV005001296.1).

ClinVar aggregate classification (germline): Uncertain significance (1 of 4 stars; one submission).

Conditions:
PHIP-related disorder. Also called: PHIP-related disorders; PHIP-related condition.

gnomAD v4.1: 1 of 1,610,388 alleles (0.000062%); highest among the groups gnomAD compares: Non-Finnish European, 0.000085%; no homozygotes.

Submission:

PreventionGenetics, part of Exact Sciences
Classification: Uncertain significance for PHIP-related condition. Last evaluated: 2026-04-04. Review status: criteria provided, single submitter. Criteria: ACMG Guidelines, 2015. Collection method: clinical testing. Allele origin: germline.
Comment: The PHIP c.1423C>T variant is predicted to result in the amino acid substitution p.His475Tyr. To our knowledge, this variant has not been reported in the literature. This variant is reported in 0.00088% of alleles in individuals of European (Non-Finnish) descent in gnomAD. At this time, the clinical significance of this variant is uncertain due to the absence of conclusive functional and genetic evidence.